The following is an entry in ClinVar:

NM_022464.5(SIL1):c.1351G>A (p.Gly451Ser)

Gene: SIL1 (SIL1 nucleotide exchange factor; minus strand). Cytogenetic location: 5q31.2.
Variant type: single nucleotide variant.
Coding change: c.1351G>A on transcript NM_022464.5 (MANE Select); coding-DNA position 1351, G replaced by A.
Protein change: p.Gly451Ser; replaces glycine 451 with serine.
Molecular consequence: missense variant.
Genome position (GRCh38, 1-based): chr5:138,947,152, C>T on the plus strand (G>A on the coding strand, the complement: SIL1 is on the minus strand). VCF-style: chr5-138947152-C-T. GRCh37 (hg19) VCF-style: chr5-138282841-C-T.
Other names: p.Gly451Ser; c.1351G>A, p.Gly451Ser (NM_001037633.2); short protein forms G451S.
Identifiers: ClinVar variation 286537 (VCV000286537.27), dbSNP rs34214251, ClinGen allele CA3432323.

ClinVar aggregate classification (germline): Benign/Likely benign. Review status: criteria provided, multiple submitters, no conflicts (2 of 4 stars). 9 submissions from 9 submitters: Benign (1); Likely benign (7). 1 of the submissions does not count toward it. Last evaluated 2025-12-06.

Conditions:
SIL1-related disorder. Also called: SIL1-related condition.
Marinesco-Sjögren syndrome (MSS). Also called: Marinesco-Sjogren Syndrome; Marinesco-SjÃ¶gren syndrome. Identifiers: Orphanet 559, MedGen C0024814, MONDO:0009567, OMIM 248800.

Allele frequency attached by ClinVar (database versions not stated): gnomAD exomes 0.00022 and 0.00050; ExAC 0.00063; gnomAD 0.00204 and 0.00222; ESP Exome Variant Server 0.00208; 1000 Genomes Project 30x 0.00219; 1000 Genomes Project 0.00220; TOPMed 0.00230.
gnomAD v4.1: 652 of 1,613,654 alleles (0.04%); highest among the groups gnomAD compares: African/African-American, 0.74%; no homozygotes.

Submissions (9):

Mayo Clinic Laboratories, Mayo Clinic
Classification: Likely benign. Last evaluated: 2025-12-06. Review status: criteria provided, single submitter. Criteria: ACMG Guidelines, 2015. Collection method: clinical testing. Allele origin: germline. Observed: 1 variant allele.
Comment: BS1, BP4

Labcorp Genetics (formerly Invitae), Labcorp
Classification: Likely benign for Marinesco-Sjögren syndrome. Last evaluated: 2025-11-21. Review status: criteria provided, single submitter. Criteria: Invitae Variant Classification Sherloc (09022015). Collection method: clinical testing. Allele origin: germline.

Blueprint Genetics
Classification: Likely benign. Last evaluated: 2024-10-09. Review status: criteria provided, single submitter. Criteria: ACMG Guidelines, 2015. Collection method: clinical testing. Allele origin: germline.

GeneDx
Classification: Likely benign. Last evaluated: 2019-12-02. Review status: criteria provided, single submitter. Criteria: GeneDx Variant Classification Process June 2021. Collection method: clinical testing. Allele origin: germline. Affected: yes.

Athena Diagnostics
Classification: Benign. Last evaluated: 2019-02-13. Review status: criteria provided, single submitter. Criteria: Athena Diagnostics Criteria. Collection method: clinical testing. Allele origin: germline.

Illumina Laboratory Services, Illumina
Classification: Likely benign for Marinesco-Sjögren syndrome. Last evaluated: 2018-01-13. Review status: criteria provided, single submitter. Criteria: ICSL Variant Classification Criteria 13 December 2019. Collection method: clinical testing. Allele origin: germline.
Comment: This variant was observed in the ICSL laboratory as part of a predisposition screen in an ostensibly healthy population. It had not been previously curated by ICSL or reported in the Human Gene Mutation Database (HGMD: prior to June 1st, 2018), and was therefore a candidate for classification through an automated scoring system. Utilizing variant allele frequency, disease prevalence and penetrance estimates, and inheritance mode, an automated score was calculated to assess if this variant is too frequent to cause the disease. Based on the score and internal cut-off values, a variant classified as likely benign is not then subjected to further curation. The score for this variant resulted in a classification of likely benign for this disease.

Eurofins Ntd Llc (ga)
Classification: Likely benign. Last evaluated: 2016-03-01. Review status: criteria provided, single submitter. Criteria: EGL Classification Definitions 2015. Collection method: clinical testing. Allele origin: germline. Observed: 1 variant allele, 1 heterozygote.

Breakthrough Genomics
Classification: Likely benign. Review status: criteria provided, single submitter. Criteria: ACMG Guidelines, 2015. Collection method: not provided. Allele origin: germline. Inheritance: Autosomal recessive inheritance. Affected: yes.

PreventionGenetics, part of Exact Sciences
Classification: Likely benign for SIL1-related condition. Last evaluated: 2019-09-25. Review status: no assertion criteria provided. Collection method: clinical testing. Allele origin: germline. Not counted in ClinVar's aggregate classification.
Comment: This variant is classified as likely benign based on ACMG/AMP sequence variant interpretation guidelines (Richards et al. 2015 PMID: 25741868, with internal and published modifications).